The following is an entry in ClinVar:

NM_012431.3(SEMA3E):c.359G>A (p.Arg120Gln)

Gene: SEMA3E (semaphorin 3E; minus strand). Cytogenetic location: 7q21.11.
Variant type: single nucleotide variant.
Coding change: c.359G>A on transcript NM_012431.3 (MANE Select); coding-DNA position 359, G replaced by A.
Protein change: p.Arg120Gln; replaces arginine 120 with glutamine.
Molecular consequence: missense variant.
Genome position (GRCh38, 1-based): chr7:83,466,579, C>T on the plus strand (G>A on the coding strand, the complement: SEMA3E is on the minus strand). VCF-style: chr7-83466579-C-T. GRCh37 (hg19) VCF-style: chr7-83095895-C-T.
Other names: c.179G>A, p.Arg60Gln (NM_001178129.2); short protein forms R120Q, R60Q.
Identifiers: ClinVar variation 582985 (VCV000582985.14), dbSNP rs781381659, ClinGen allele CA4322357.

ClinVar aggregate classification (germline): Conflicting classifications of pathogenicity. Review status: criteria provided, conflicting classifications (1 of 4 stars). 4 submissions from 4 submitters: Uncertain significance (2); Likely benign (1). 1 of the submissions does not count toward it. Last evaluated 2026-05-01.

Conditions:
SEMA3E-related disorder. Also called: SEMA3E-related condition.
CHARGE syndrome (CHARGE). Also called: Hittner Hirsch Kreh syndrome; Coloboma, heart anomaly, choanal atresia, retardation, genital and ear anomalies; CHARGE association; Hall-Hittner syndrome; CHARGE ASSOCIATION--COLOBOMA, HEART ANOMALY, CHOANAL ATRESIA, RETARDATION, GENITAL AND EAR ANOMALIES. Identifiers: Orphanet 138, MedGen C0265354, MONDO:0008965.

Allele frequency attached by ClinVar (database versions not stated): gnomAD exomes below 0.00001 and 0.00001; TOPMed below 0.00001; ExAC 0.00001; gnomAD 0.00003.
gnomAD v4.1: 14 of 1,613,658 alleles (0.00087%); highest among the groups gnomAD compares: East Asian, 0.0045%; no homozygotes.

Submissions (4):

CeGaT Center for Human Genetics Tuebingen
Classification: Likely benign. Last evaluated: 2026-05-01. Review status: criteria provided, single submitter. Criteria: CeGaT Center For Human Genetics Tuebingen Variant Classification Criteria Version 2. Collection method: clinical testing. Allele origin: germline. Affected: yes. Observed: 1 variant allele.
Comment: SEMA3E: BP4

Labcorp Genetics (formerly Invitae), Labcorp
Classification: Uncertain significance for CHARGE syndrome. Last evaluated: 2025-12-10. Review status: criteria provided, single submitter. Criteria: Invitae Variant Classification Sherloc (09022015). Collection method: clinical testing. Allele origin: germline.
Comment: This sequence change replaces arginine, which is basic and polar, with glutamine, which is neutral and polar, at codon 120 of the SEMA3E protein (p.Arg120Gln). The frequency data for this variant in the population databases is considered unreliable, as metrics indicate poor data quality at this position in the gnomAD database. This variant has not been reported in the literature in individuals affected with SEMA3E-related conditions. ClinVar contains an entry for this variant (Variation ID: 582985). Invitae Evidence Modeling of protein sequence and biophysical properties (such as structural, functional, and spatial information, amino acid conservation, physicochemical variation, residue mobility, and thermodynamic stability) indicates that this missense variant is not expected to disrupt SEMA3E protein function with a negative predictive value of 80%. In summary, the available evidence is currently insufficient to determine the role of this variant in disease. Therefore, it has been classified as a Variant of Uncertain Significance.

Ambry Genetics
Classification: Uncertain significance. Last evaluated: 2023-04-25. Review status: criteria provided, single submitter. Criteria: Ambry Variant Classification Scheme 2023. Collection method: clinical testing. Allele origin: germline.

PreventionGenetics, part of Exact Sciences
Classification: Uncertain significance for SEMA3E-related condition. Last evaluated: 2024-01-29. Review status: no assertion criteria provided. Collection method: clinical testing. Allele origin: germline. Not counted in ClinVar's aggregate classification.
Comment: The SEMA3E c.359G>A variant is predicted to result in the amino acid substitution p.Arg120Gln. To our knowledge, this variant has not been reported in the literature. This variant is reported in 0.0033% of alleles in individuals of South Asian descent in gnomAD. At this time, the clinical significance of this variant is uncertain due to the absence of conclusive functional and genetic evidence.